The following is an entry in ClinVar:

NM_004655.4(AXIN2):c.1859G>T (p.Trp620Leu)

Gene: AXIN2 (axin 2; minus strand). Cytogenetic location: 17q24.1.
Variant type: single nucleotide variant.
Coding change: c.1859G>T on transcript NM_004655.4 (MANE Select); coding-DNA position 1859, G replaced by T.
Protein change: p.Trp620Leu; replaces tryptophan 620 with leucine.
Molecular consequence: missense variant. On other transcripts: intron variant (1).
Genome position (GRCh38, 1-based): chr17:65,536,917, C>A on the plus strand (G>T on the coding strand, the complement: AXIN2 is on the minus strand). VCF-style: chr17-65536917-C-A. GRCh37 (hg19) VCF-style: chr17-63533035-C-A.
Other names: c.1859G>T (NM_004655.3); c.1713-364G>T (NM_001363813.1); short protein forms W620L.
Identifiers: ClinVar variation 1015831 (VCV001015831.10), dbSNP rs1567754854, ClinGen allele CA400676477.

ClinVar aggregate classification (germline): Uncertain significance. Review status: criteria provided, multiple submitters, no conflicts (2 of 4 stars). 2 submissions from 2 submitters: Uncertain significance (2). Last evaluated 2023-08-13.

Conditions:
Hereditary cancer-predisposing syndrome. Also called: Hereditary Cancer Syndrome; Tumor predisposition; Neoplastic Syndromes, Hereditary; Hereditary neoplastic syndrome. Identifiers: Orphanet 140162, MedGen C0027672, MeSH D009386, MONDO:0015356.
Oligodontia-cancer predisposition syndrome. Also called: TOOTH AGENESIS-COLORECTAL CANCER SYNDROME. Identifiers: Orphanet 300576, MedGen C1837750, MONDO:0012075, OMIM 608615. Disease mechanism: loss of function.

Submissions (2):

Ambry Genetics
Classification: Uncertain significance for Hereditary cancer-predisposing syndrome. Last evaluated: 2023-08-13. Review status: criteria provided, single submitter. Criteria: Ambry Variant Classification Scheme 2023. Collection method: clinical testing. Allele origin: germline.
Comment: The p.W620L variant (also known as c.1859G>T), located in coding exon 6 of the AXIN2 gene, results from a G to T substitution at nucleotide position 1859. The tryptophan at codon 620 is replaced by leucine, an amino acid with similar properties. This amino acid position is conserved. In addition, this alteration is predicted to be tolerated by in silico analysis. Since supporting evidence is limited at this time, the clinical significance of this alteration remains unclear.

Labcorp Genetics (formerly Invitae), Labcorp
Classification: Uncertain significance for Oligodontia-cancer predisposition syndrome. Last evaluated: 2021-01-26. Review status: criteria provided, single submitter. Criteria: Invitae Variant Classification Sherloc (09022015). Collection method: clinical testing. Allele origin: germline.
Comment: In summary, the available evidence is currently insufficient to determine the role of this variant in disease. Therefore, it has been classified as a Variant of Uncertain Significance. Algorithms developed to predict the effect of missense changes on protein structure and function (SIFT, PolyPhen-2, Align-GVGD) all suggest that this variant is likely to be tolerated, but these predictions have not been confirmed by published functional studies and their clinical significance is uncertain. This variant has not been reported in the literature in individuals with AXIN2-related conditions. This variant is not present in population databases (ExAC no frequency). This sequence change replaces tryptophan with leucine at codon 620 of the AXIN2 protein (p.Trp620Leu). The tryptophan residue is moderately conserved and there is a small physicochemical difference between tryptophan and leucine.